The following is an entry in ClinVar:

ClinVar aggregate classification (germline): Uncertain significance (1 of 4 stars; one submission).

Conditions:
Primary immunodeficiency with natural-killer cell deficiency and adrenal insufficiency (IMD54). Also called: Natural killer cell and glucocorticoid deficiency with DNA repair defect; IMMUNODEFICIENCY 54. Identifiers: Orphanet 75391, MedGen C1864947, MONDO:0012383, OMIM 609981.

Allele frequency attached by ClinVar (database versions not stated): gnomAD exomes below 0.00001.

Submission:

Baylor Genetics
Classification: Uncertain significance for Primary immunodeficiency with natural-killer cell deficiency and adrenal insufficiency. Last evaluated: 2020-01-15. Review status: criteria provided, single submitter. Criteria: ACMG Guidelines, 2015. Collection method: clinical testing. Allele origin: unknown. Affected: yes.
Comment: This variant was determined to be of uncertain significance according to ACMG Guidelines, 2015 [PMID:25741868].

NM_182746.3(MCM4):c.311G>A (p.Arg104Lys)

Gene: MCM4 (minichromosome maintenance complex component 4; plus strand). Cytogenetic location: 8q11.21.
Variant type: single nucleotide variant.
Coding change: c.311G>A on transcript NM_182746.3 (MANE Select); coding-DNA position 311, G replaced by A.
Protein change: p.Arg104Lys; replaces arginine 104 with lysine.
Molecular consequence: missense variant.
Genome position (GRCh38, 1-based): chr8:47,962,128, G>A. VCF-style: chr8-47962128-G-A. GRCh37 (hg19) VCF-style: chr8-48874688-G-A.
Other names: c.311G>A, p.Arg104Lys (NM_005914.4); short protein forms R104K.
Identifiers: ClinVar variation 1028961 (VCV001028961.1), dbSNP rs1563830466, ClinGen allele CA371145345.